The following is an entry in ClinVar:

ClinVar aggregate classification (germline): Uncertain significance (1 of 4 stars; one submission).

Submission:

GeneDx
Classification: Uncertain significance. Last evaluated: 2022-10-06. Review status: criteria provided, single submitter. Criteria: GeneDx Variant Classification Process June 2021. Collection method: clinical testing. Allele origin: germline. Affected: yes.
Comment: Not observed at significant frequency in large population cohorts (gnomAD); In silico analysis supports that this missense variant does not alter protein structure/function; Has not been previously published as pathogenic or benign to our knowledge

NM_182931.3(KMT2E):c.3534C>G (p.Asn1178Lys)

Gene: KMT2E (lysine methyltransferase 2E (inactive); plus strand). Cytogenetic location: 7q22.3.
Variant type: single nucleotide variant.
Coding change: c.3534C>G on transcript NM_182931.3 (MANE Select); coding-DNA position 3534, C replaced by G.
Protein change: p.Asn1178Lys; replaces asparagine 1178 with lysine.
Molecular consequence: missense variant.
Genome position (GRCh38, 1-based): chr7:105,109,007, C>G. VCF-style: chr7-105109007-C-G. GRCh37 (hg19) VCF-style: chr7-104749454-C-G.
Other names: c.3534C>G, p.Asn1178Lys (NM_018682.4); short protein forms N1178K.
Identifiers: ClinVar variation 1315064 (VCV001315064.3), dbSNP rs1278625237, ClinGen allele CA368790073.